The following is an entry in ClinVar:

NM_015272.5(RPGRIP1L):c.3809G>A (p.Arg1270Lys)

Gene: RPGRIP1L (RPGRIP1 like; minus strand). Cytogenetic location: 16q12.2.
Variant type: single nucleotide variant.
Coding change: c.3809G>A on transcript NM_015272.5 (MANE Select); coding-DNA position 3809, G replaced by A.
Protein change: p.Arg1270Lys; replaces arginine 1270 with lysine.
Molecular consequence: missense variant.
Genome position (GRCh38, 1-based): chr16:53,605,507, C>T on the plus strand (G>A on the coding strand, the complement: RPGRIP1L is on the minus strand). VCF-style: chr16-53605507-C-T. GRCh37 (hg19) VCF-style: chr16-53639419-C-T.
Other names: c.3809G>A (NM_015272.4); c.3569G>A, p.Arg1190Lys (NM_001127897.4); c.3671G>A, p.Arg1224Lys (NM_001308334.3); c.3707G>A, p.Arg1236Lys (NM_001330538.2); short protein forms R1190K, R1224K, R1236K, R1270K.
Identifiers: ClinVar variation 990371 (VCV000990371.3), dbSNP rs1963624413, ClinGen allele CA395921073.

ClinVar aggregate classification (germline): Uncertain significance. Review status: criteria provided, multiple submitters, no conflicts (2 of 4 stars). 3 submissions from 3 submitters: Uncertain significance (2). 1 of the submissions does not count toward it. Last evaluated 2026-03-24.

Conditions:
Joubert syndrome 7 (JBTS7). Identifiers: Orphanet 220497, MedGen C1969053, MONDO:0012694, OMIM 611560.
Meckel syndrome, type 5 (MKS5). Identifiers: Orphanet 564, MedGen C1969052, MONDO:0012695, OMIM 611561.
COACH syndrome 3. Identifiers: MedGen C5436841, MONDO:0030862, OMIM 619113.
RPGRIP1L-related disorder. Also called: RPGRIP1L-related condition; RPGRIP1L-related disorders. Identifiers: MedGen CN239416.
Joubert syndrome. Also called: Familial aplasia of the vermis; JOUBERT-BOLTSHAUSER SYNDROME. Identifiers: Orphanet 475, MedGen C5979921, MONDO:0018772.

Allele frequency attached by ClinVar (database versions not stated): gnomAD exomes below 0.00001; gnomAD 0.00001.
gnomAD v4.1: 7 of 1,614,158 alleles (0.00043%); highest among the groups gnomAD compares: African/African-American, 0.004%; no homozygotes.

Submissions (3):

PreventionGenetics, part of Exact Sciences
Classification: Uncertain significance for RPGRIP1L-related condition. Last evaluated: 2026-03-24. Review status: criteria provided, single submitter. Criteria: ACMG Guidelines, 2015. Collection method: clinical testing. Allele origin: germline.
Comment: The RPGRIP1L c.3809G>A variant is predicted to result in the amino acid substitution p.Arg1270Lys. To our knowledge, this variant has not been reported in the literature or in a large population database (gnomAD), indicating this variant is rare. At this time, the clinical significance of this variant is uncertain due to the absence of conclusive functional and genetic evidence.

Fulgent Genetics
Classification: Uncertain significance for Joubert syndrome 7; Meckel syndrome, type 5; COACH syndrome 3. Last evaluated: 2021-10-29. Review status: criteria provided, single submitter. Criteria: ACMG Guidelines, 2015. Collection method: clinical testing. Allele origin: unknown.

Natera, Inc.
Classification: Uncertain significance for Joubert syndrome. Last evaluated: 2020-04-24. Review status: no assertion criteria provided. Collection method: clinical testing. Allele origin: germline. Not counted in ClinVar's aggregate classification.